The following is an entry in ClinVar:

ClinVar aggregate classification (germline): Benign/Likely benign. Review status: criteria provided, multiple submitters, no conflicts (2 of 4 stars). 3 submissions from 3 submitters: Benign (1); Likely benign (1). 1 of the submissions does not count toward it. Last evaluated 2025-10-14.

Conditions:
Glanzmann thrombasthenia. Also called: THROMBASTHENIA OF GLANZMANN AND NAEGELI; Thrombasthenia; PLATELET GLYCOPROTEIN IIb-IIIa DEFICIENCY; Glanzmann's thrombasthenia. Identifiers: Orphanet 849, MedGen C0040015, MONDO:0100326.
ITGA2B-related disorder. Also called: ITGA2B-related condition; ITGA2B-related disorders.

Allele frequency attached by ClinVar (database versions not stated): gnomAD exomes 0.00008 and 0.00023; gnomAD 0.00011 and 0.00017; ExAC 0.00020; TOPMed 0.00021; 1000 Genomes Project 0.00140; 1000 Genomes Project 30x 0.00141.
gnomAD v4.1: 138 of 1,614,196 alleles (0.0085%); highest among the groups gnomAD compares: East Asian, 0.26%; 1 homozygote.

Submissions (3):

Labcorp Genetics (formerly Invitae), Labcorp
Classification: Likely benign for Glanzmann thrombasthenia. Last evaluated: 2025-10-14. Review status: criteria provided, single submitter. Criteria: Invitae Variant Classification Sherloc (09022015). Collection method: clinical testing. Allele origin: germline.

Illumina Laboratory Services, Illumina
Classification: Benign for Glanzmann thrombasthenia 1. Last evaluated: 2017-04-27. Review status: criteria provided, single submitter. Criteria: ICSL Variant Classification Criteria 13 December 2019. Collection method: clinical testing. Allele origin: germline.
Comment: This variant was observed as part of a predisposition screen in an ostensibly healthy population. A literature search was performed for the gene, cDNA change, and amino acid change (where applicable). No publications were found based on this search. Allele frequency data from public databases was too high to be consistent with this variant causing disease. Therefore, this variant is classified as benign.

PreventionGenetics, part of Exact Sciences
Classification: Likely benign for ITGA2B-related condition. Last evaluated: 2020-03-06. Review status: no assertion criteria provided. Collection method: clinical testing. Allele origin: germline. Not counted in ClinVar's aggregate classification.
Comment: This variant is classified as likely benign based on ACMG/AMP sequence variant interpretation guidelines (Richards et al. 2015 PMID: 25741868, with internal and published modifications).

NM_000419.5(ITGA2B):c.2334A>G (p.Gln778=)

Gene: ITGA2B (integrin subunit alpha 2b; minus strand). Cytogenetic location: 17q21.31.
Variant type: single nucleotide variant.
Coding change: c.2334A>G on transcript NM_000419.5 (MANE Select); coding-DNA position 2334, A replaced by G.
Protein change: p.Gln778=; no amino-acid change (glutamine 778 retained).
Molecular consequence: synonymous variant.
Genome position (GRCh38, 1-based): chr17:44,376,322, T>C on the plus strand (A>G on the coding strand, the complement: ITGA2B is on the minus strand). VCF-style: chr17-44376322-T-C. GRCh37 (hg19) VCF-style: chr17-42453690-T-C.
Other names: c.2334A>G (NM_000419.4).
Identifiers: ClinVar variation 697947 (VCV000697947.12), dbSNP rs117870452, ClinGen allele CA8602733.